The following is an entry in ClinVar:

ClinVar aggregate classification (germline): Uncertain significance (1 of 4 stars; one submission).

Conditions:
Emery-Dreifuss muscular dystrophy 5, autosomal dominant (EDMD5). Also called: EMERY-DREIFUSS MUSCULAR DYSTROPHY 5. Identifiers: Orphanet 261, MedGen C2751805, MONDO:0013072, OMIM 612999.

Submission:

Labcorp Genetics (formerly Invitae), Labcorp
Classification: Uncertain significance for Emery-Dreifuss muscular dystrophy 5, autosomal dominant. Last evaluated: 2021-05-29. Review status: criteria provided, single submitter. Criteria: Invitae Variant Classification Sherloc (09022015). Collection method: clinical testing. Allele origin: germline.
Comment: In summary, the available evidence is currently insufficient to determine the role of this variant in disease. Therefore, it has been classified as a Variant of Uncertain Significance. This sequence change creates a premature translational stop signal (p.Cys6725Lysfs*55) in the SYNE2 gene. It is expected to result in an absent or disrupted protein product. However, the current clinical and genetic evidence is not sufficient to establish whether loss-of-function variants in SYNE2 cause disease. This variant is not present in population databases (ExAC no frequency). This variant has not been reported in the literature in individuals with SYNE2-related conditions. Algorithms developed to predict the effect of sequence changes on RNA splicing suggest that this variant may create or strengthen a splice site, but this prediction has not been confirmed by published transcriptional studies.

NM_182914.3(SYNE2):c.20172_20173insAAGCCAAATGACTTGCAGGAATGGAGAGCCACAGTCCACAGAACTGAGGACATAGGTGCTCTCGATATCC (p.Cys6725fs)

Gene: SYNE2 (spectrin repeat containing nuclear envelope protein 2; plus strand). Cytogenetic location: 14q23.2.
Variant type: Insertion.
Coding change: c.20172_20173insAAGCCAAATGACTTGCAGGAATGGAGAGCCACAGTCCACAGAACTGAGGACATAGGTGCTCTCGATATCC on transcript NM_182914.3 (MANE Select); coding-DNA positions 20172 to 20173, AAGCCAAATGACTTGCAGGAATGGAGAGCCACAGTCCACAGAACTGAGGACATAGGTGCTCTCGATATCC inserted.
Protein change: p.Cys6725fs; shifts the reading frame from cysteine 6725.
Molecular consequence: frameshift variant.
Genome position: GRCh38: chr14:64,221,686-64,221,687. GRCh37 (hg19): chr14:64,688,404-64,688,405.
Other names: c.20103_20104insAAGCCAAATGACTTGCAGGAATGGAGAGCCACAGTCCACAGAACTGAGGACATAGGTGCTCTCGATATCC, p.Cys6702fs (NM_015180.6); c.738_739insAAGCCAAATGACTTGCAGGAATGGAGAGCCACAGTCCACAGAACTGAGGACATAGGTGCTCTCGATATCC, p.Cys247fs (NM_182910.2); c.1116_1117insAAGCCAAATGACTTGCAGGAATGGAGAGCCACAGTCCACAGAACTGAGGACATAGGTGCTCTCGATATCC, p.Cys373fs (NM_182913.4); short protein forms C247fs, C6725fs, C373fs, C6702fs.
Identifiers: ClinVar variation 1374615 (VCV001374615.6), dbSNP rs1567693129, ClinGen allele CA2573150022.